The following is an entry in ClinVar:

ClinVar aggregate classification (germline): Benign. Review status: criteria provided, multiple submitters, no conflicts (2 of 4 stars). 2 submissions from 2 submitters: Benign (2). Last evaluated 2017-05-09.

Allele frequency attached by ClinVar (database versions not stated): 1000 Genomes Project 30x 0.06558; 1000 Genomes Project 0.06629; TOPMed 0.10734; gnomAD exomes 0.10954 and 0.13589; ExAC 0.11170; gnomAD 0.11233 and 0.11466; ESP Exome Variant Server 0.12979.
gnomAD v4.1: 215,398 of 1,612,912 alleles (13%); highest among the groups gnomAD compares: Non-Finnish European, 15%; 15,429 homozygotes.

Submissions (2):

GeneDx
Classification: Benign. Last evaluated: 2017-05-09. Review status: criteria provided, single submitter. Criteria: GeneDx Variant Classification (06012015). Collection method: clinical testing. Allele origin: germline. Affected: yes.
Comment: This variant is considered likely benign or benign based on one or more of the following criteria: it is a conservative change, it occurs at a poorly conserved position in the protein, it is predicted to be benign by multiple in silico algorithms, and/or has population frequency not consistent with disease.

Breakthrough Genomics
Classification: Benign. Review status: criteria provided, single submitter. Criteria: ACMG Guidelines, 2015. Collection method: not provided. Allele origin: germline. Inheritance: Unknown mechanism. Affected: yes.

NM_001080779.2(MYO1C):c.201G>A (p.Leu67=)

Gene: MYO1C (myosin IC; minus strand). Cytogenetic location: 17p13.3.
Variant type: single nucleotide variant.
Coding change: c.201G>A on transcript NM_001080779.2 (MANE Select); coding-DNA position 201, G replaced by A.
Protein change: p.Leu67=; no amino-acid change (leucine 67 retained).
Molecular consequence: synonymous variant.
Genome position (GRCh38, 1-based): chr17:1,484,178, C>T on the plus strand (G>A on the coding strand, the complement: MYO1C is on the minus strand). VCF-style: chr17-1484178-C-T. GRCh37 (hg19) VCF-style: chr17-1387472-C-T.
Other names: c.144G>A, p.Leu48= (NM_001080950.2); c.129G>A, p.Leu43= (NM_001363855.1); c.96G>A, p.Leu32= (NM_033375.5).
Identifiers: ClinVar variation 508157 (VCV000508157.2), dbSNP rs11538156, ClinGen allele CA8268169.
Genomic context (GRCh38, chr17:1,484,178, plus strand): 5'-ACCCCTGCCATCTCCCCACAAGGGCCTCACGTAGATGAGATTCTCCCGAAATCGCCGCCG[C>T]AGGTTCTCGATGAAGGCGGCCTCGCTGGTGAAGTTCTCCAGCAGCACGAAATCCTGCACC-3'
Protein context (NP_001074248.1, residues 57-77): FTSEAAFIEN[Leu67=]RRRFRENLIY